The following is an entry in ClinVar:

NM_198253.3(TERT):c.3176A>G (p.Lys1059Arg)

Gene: TERT (telomerase reverse transcriptase; minus strand). Cytogenetic location: 5p15.33.
Variant type: single nucleotide variant.
Coding change: c.3176A>G on transcript NM_198253.3 (MANE Select); coding-DNA position 3176, A replaced by G.
Protein change: p.Lys1059Arg; replaces lysine 1059 with arginine.
Molecular consequence: missense variant. On other transcripts: non-coding transcript variant (2).
Genome position (GRCh38, 1-based): chr5:1,254,487, T>C on the plus strand (A>G on the coding strand, the complement: TERT is on the minus strand). VCF-style: chr5-1254487-T-C. GRCh37 (hg19) VCF-style: chr5-1254602-T-C.
Other names: c.2987A>G, p.Lys996Arg (NM_001193376.3); short protein forms K1059R, K996R.
Identifiers: ClinVar variation 575917 (VCV000575917.9), dbSNP rs1561186570, ClinGen allele CA359067522.
Genomic context (GRCh38, chr5:1,254,487, plus strand): 5'-AGGAATGCTTGGTGGCACAGCCACTGCACGGCCTCGGAGGGCAGAGGGCCGGCGGCGCCC[T>C]TGGCCCCCAGCGACATCCCTGGGGGAAAACAGAGGCTGAGGAGTCACAGGCCCAGCCCAG-3'
Protein context (NP_937983.2, residues 1049-1069): AKNAGMSLGA[Lys1059Arg]GAAGPLPSEA

ClinVar aggregate classification (germline): Uncertain significance (1 of 4 stars; one submission).

Conditions:
Idiopathic Pulmonary Fibrosis. Also called: Idiopathic fibrosing alveolitis, chronic form; idiopathic fibrosing alveolitis. Identifiers: Orphanet 2032, MedGen C1800706, MeSH D054990, MONDO:0800504.
Dyskeratosis congenita, autosomal dominant 2. Identifiers: MedGen C3151443, MONDO:0013521, OMIM 613989.

Submission:

Labcorp Genetics (formerly Invitae), Labcorp
Classification: Uncertain significance for Dyskeratosis congenita, autosomal dominant 2; Idiopathic Pulmonary Fibrosis. Last evaluated: 2018-04-07. Review status: criteria provided, single submitter. Criteria: Invitae Variant Classification Sherloc (09022015). Collection method: clinical testing. Allele origin: germline.
Comment: In summary, the available evidence is currently insufficient to determine the role of this variant in disease. Therefore, it has been classified as a Variant of Uncertain Significance. Algorithms developed to predict the effect of missense changes on protein structure and function output the following: SIFT: "Tolerated"; PolyPhen-2: "Benign"; Align-GVGD: "Class C0". The arginine amino acid residue is found in multiple mammalian species, suggesting that this missense change does not adversely affect protein function. These predictions have not been confirmed by published functional studies and their clinical significance is uncertain. This variant has not been reported in the literature in individuals with TERT-related disease. This variant is not present in population databases (ExAC no frequency). This sequence change replaces lysine with arginine at codon 1059 of the TERT protein (p.Lys1059Arg). The lysine residue is moderately conserved and there is a small physicochemical difference between lysine and arginine.